The following is an entry in ClinVar:

NM_004819.3(SYMPK):c.1326G>A (p.Thr442=)

Gene: SYMPK (symplekin scaffold protein; minus strand). Cytogenetic location: 19q13.32.
Variant type: single nucleotide variant.
Coding change: c.1326G>A on transcript NM_004819.3 (MANE Select); coding-DNA position 1326, G replaced by A.
Protein change: p.Thr442=; no amino-acid change (threonine 442 retained).
Molecular consequence: synonymous variant.
Genome position (GRCh38, 1-based): chr19:45,835,145, C>T on the plus strand (G>A on the coding strand, the complement: SYMPK is on the minus strand). VCF-style: chr19-45835145-C-T. GRCh37 (hg19) VCF-style: chr19-46338403-C-T.
Identifiers: ClinVar variation 2650134 (VCV002650134.24), dbSNP rs771698467, ClinGen allele CA9523967.
Genomic context (GRCh38, chr19:45,835,145, plus strand): 5'-CAGTCCGGCAGCTGTCATCTGTGTGGCCATGAGCCGAGCCAGGTGCTTGATCTGGGCTTC[C>T]GTGCCTGCTGACTCCACGGGGGTGTAGATGGCCTGGAAGGAGGCTGGCATGGCCTCGGGT-3'
Protein context (NP_004810.2, residues 432-452): AIYTPVESAG[Thr442=]EAQIKHLARL

ClinVar aggregate classification (germline): Likely benign (1 of 4 stars; one submission).

Allele frequency attached by ClinVar (database versions not stated): ExAC 0.00003; gnomAD 0.00001; TOPMed 0.00001; gnomAD exomes 0.00002.
gnomAD v4.1: 33 of 1,613,300 alleles (0.002%); highest among the groups gnomAD compares: East Asian, 0.022%; no homozygotes.

Submission:

CeGaT Center for Human Genetics Tuebingen
Classification: Likely benign. Last evaluated: 2022-07-01. Review status: criteria provided, single submitter. Criteria: CeGaT Center For Human Genetics Tuebingen Variant Classification Criteria Version 2. Collection method: clinical testing. Allele origin: germline. Affected: yes. Observed: 1 variant allele.
Comment: SYMPK: BP4, BP7